The following is an entry in ClinVar:

NM_024494.3(WNT2B):c.377C>G (p.Thr126Ser)

Gene: WNT2B (Wnt family member 2B; plus strand). Cytogenetic location: 1p13.2.
Variant type: single nucleotide variant.
Coding change: c.377C>G on transcript NM_024494.3 (MANE Select); coding-DNA position 377, C replaced by G.
Protein change: p.Thr126Ser; replaces threonine 126 with serine.
Molecular consequence: missense variant.
Genome position (GRCh38, 1-based): chr1:112,515,068, C>G. VCF-style: chr1-112515068-C-G. GRCh37 (hg19) VCF-style: chr1-113057690-C-G.
Other names: c.101C>G, p.Thr34Ser (NM_001291880.1); c.320C>G, p.Thr107Ser (NM_004185.4); short protein forms T126S, T34S, T107S.
Identifiers: ClinVar variation 2139654 (VCV002139654.1), dbSNP rs763018977, ClinGen allele CA1008244.

ClinVar aggregate classification (germline): Uncertain significance (1 of 4 stars; one submission).

Allele frequency attached by ClinVar (database versions not stated): ExAC 0.00001; gnomAD 0.00003; TOPMed 0.00004.
gnomAD v4.1: 77 of 1,614,070 alleles (0.0048%); highest among the groups gnomAD compares: Non-Finnish European, 0.0064%; no homozygotes.

Submission:

Labcorp Genetics (formerly Invitae), Labcorp
Classification: Uncertain significance. Last evaluated: 2022-06-15. Review status: criteria provided, single submitter. Criteria: Invitae Variant Classification Sherloc (09022015). Collection method: clinical testing. Allele origin: germline.
Comment: This sequence change replaces threonine, which is neutral and polar, with serine, which is neutral and polar, at codon 126 of the WNT2B protein (p.Thr126Ser). This variant is present in population databases (rs763018977, gnomAD 0.002%). This variant has not been reported in the literature in individuals affected with WNT2B-related conditions. Algorithms developed to predict the effect of missense changes on protein structure and function are either unavailable or do not agree on the potential impact of this missense change (SIFT: "Deleterious"; PolyPhen-2: "Benign"; Align-GVGD: "Class C55"). In summary, the available evidence is currently insufficient to determine the role of this variant in disease. Therefore, it has been classified as a Variant of Uncertain Significance.